The following is an entry in ClinVar:

NM_201596.3(CACNB2):c.1580A>C (p.Lys527Thr)

Gene: CACNB2 (calcium voltage-gated channel auxiliary subunit beta 2; plus strand). Cytogenetic location: 10p12.31.
Variant type: single nucleotide variant.
Coding change: c.1580A>C on transcript NM_201596.3 (MANE Select); coding-DNA position 1580, A replaced by C.
Protein change: p.Lys527Thr; replaces lysine 527 with threonine.
Molecular consequence: missense variant.
Genome position (GRCh38, 1-based): chr10:18,539,321, A>C. VCF-style: chr10-18539321-A-C. GRCh37 (hg19) VCF-style: chr10-18828250-A-C.
Other names: c.1415A>C, p.Lys472Thr (NM_000724.4); c.1382A>C, p.Lys461Thr (NM_001167945.2); c.1301A>C, p.Lys434Thr (NM_001330060.2); c.1436A>C, p.Lys479Thr (NM_201570.3); c.1496A>C, p.Lys499Thr (NM_201571.4); c.1424A>C, p.Lys475Thr (NM_201572.4); c.1418A>C, p.Lys473Thr (NM_201590.3); c.1466A>C, p.Lys489Thr (NM_201593.3); and 1 more; short protein forms K473T, K527T, K499T, K434T, K475T, K461T, K489T, K503T.
Identifiers: ClinVar variation 420365 (VCV000420365.14), dbSNP rs771565696, ClinGen allele CA5430101.

ClinVar aggregate classification (germline): Uncertain significance. Review status: criteria provided, multiple submitters, no conflicts (2 of 4 stars). 3 submissions from 3 submitters: Uncertain significance (3). Last evaluated 2026-01-26.

Conditions:
Cardiovascular phenotype. Identifiers: MedGen CN230736.
Brugada syndrome 4 (BRGDA4). Identifiers: Orphanet 130, MedGen C2678477, MONDO:0012743, OMIM 611876.

Allele frequency attached by ClinVar (database versions not stated): gnomAD 0.00003; TOPMed 0.00003; gnomAD exomes below 0.00001; ExAC 0.00001.
gnomAD v4.1: 6 of 1,613,890 alleles (0.00037%); highest among the groups gnomAD compares: African/African-American, 0.0027%; no homozygotes.

Submissions (3):

GeneDx
Classification: Uncertain significance. Last evaluated: 2026-01-26. Review status: criteria provided, single submitter. Criteria: GeneDx Variant Classification Process June 2021. Collection method: clinical testing. Allele origin: germline. Affected: yes.
Comment: Has not been previously published as pathogenic or benign to our knowledge; In silico analysis suggests that this missense variant does not alter protein structure/function; Variants in candidate genes are classified as variants of uncertain significance in accordance with ACMG guidelines (PMID: 25741868)

Labcorp Genetics (formerly Invitae), Labcorp
Classification: Uncertain significance for Brugada syndrome 4. Last evaluated: 2025-10-19. Review status: criteria provided, single submitter. Criteria: Invitae Variant Classification Sherloc (09022015). Collection method: clinical testing. Allele origin: germline.
Comment: This sequence change replaces lysine, which is basic and polar, with threonine, which is neutral and polar, at codon 473 of the CACNB2 protein (p.Lys473Thr). This variant is present in population databases (rs771565696, gnomAD 0.004%). This variant has not been reported in the literature in individuals affected with CACNB2-related conditions. ClinVar contains an entry for this variant (Variation ID: 420365). Invitae Evidence Modeling of protein sequence and biophysical properties (such as structural, functional, and spatial information, amino acid conservation, physicochemical variation, residue mobility, and thermodynamic stability) indicates that this missense variant is not expected to disrupt CACNB2 protein function with a negative predictive value of 80%. In summary, the available evidence is currently insufficient to determine the role of this variant in disease. Therefore, it has been classified as a Variant of Uncertain Significance.

Ambry Genetics
Classification: Uncertain significance for Cardiovascular phenotype. Last evaluated: 2025-04-08. Review status: criteria provided, single submitter. Criteria: Ambry Variant Classification Scheme 2023. Collection method: clinical testing. Allele origin: germline.